The following is an entry in ClinVar:

NM_001987.5(ETV6):c.541C>T (p.Arg181Cys)

Gene: ETV6 (ETS variant transcription factor 6; plus strand). Cytogenetic location: 12p13.2.
Variant type: single nucleotide variant.
Coding change: c.541C>T on transcript NM_001987.5 (MANE Select); coding-DNA position 541, C replaced by T.
Protein change: p.Arg181Cys; replaces arginine 181 with cysteine.
Molecular consequence: missense variant.
Genome position (GRCh38, 1-based): chr12:11,869,501, C>T. VCF-style: chr12-11869501-C-T. GRCh37 (hg19) VCF-style: chr12-12022435-C-T.
Other names: c.538C>T, p.Arg180Cys (NM_001413913.1); c.514C>T, p.Arg172Cys (NM_001413914.1); c.277C>T, p.Arg93Cys (NM_001413915.1); c.541C>T, p.Arg181Cys (NM_001413916.1, NM_001413917.1); short protein forms R172C, R181C, R93C, R180C.
Identifiers: ClinVar variation 2138897 (VCV002138897.8), dbSNP rs149660037, ClinGen allele CA6454275.

ClinVar aggregate classification (germline): Uncertain significance. Review status: criteria provided, multiple submitters, no conflicts (2 of 4 stars). 4 submissions from 4 submitters: Uncertain significance (4). Last evaluated 2025-11-11.

Conditions:
Inborn genetic diseases. Identifiers: MedGen C0950123, MeSH D030342.
Acute myeloid leukemia (AML). Also called: Acute myeloid leukemia, adult; AML adult; Acute non-lymphocytic leukemia; Acute granulocytic leukemia; Leukemia, acute myeloid, somatic; Leukemia, acute myelogenous, somatic. Identifiers: Orphanet 519, MedGen C0023467, MeSH D015470, MONDO:0018874, OMIM 601626, HP:0004808. Disease mechanism: Constitutively activated FLT3.
Thrombocytopenia 5 (THC5). Also called: THROMBOCYTOPENIA 5 WITH INCREASED SUSCEPTIBILITY TO MALIGNANCY; THROMBOCYTOPENIA, AUTOSOMAL DOMINANT, 5. Identifiers: MedGen C4015537, MONDO:0014536, OMIM 616216.

Allele frequency attached by ClinVar (database versions not stated): ExAC 0.00002; gnomAD 0.00003; TOPMed 0.00005; 1000 Genomes Project 30x 0.00016; 1000 Genomes Project 0.00020.
gnomAD v4.1: 71 of 1,614,114 alleles (0.0044%); highest among the groups gnomAD compares: Admixed American, 0.0083%; no homozygotes.

Submissions (4):

Labcorp Genetics (formerly Invitae), Labcorp
Classification: Uncertain significance. Last evaluated: 2025-11-11. Review status: criteria provided, single submitter. Criteria: Invitae Variant Classification Sherloc (09022015). Collection method: clinical testing. Allele origin: germline.
Comment: This sequence change replaces arginine, which is basic and polar, with cysteine, which is neutral and slightly polar, at codon 181 of the ETV6 protein (p.Arg181Cys). The frequency data for this variant in the population databases is considered unreliable, as metrics indicate poor data quality at this position in the gnomAD database. This variant has not been reported in the literature in individuals affected with ETV6-related conditions. ClinVar contains an entry for this variant (Variation ID: 2138897). Invitae Evidence Modeling of protein sequence and biophysical properties (such as structural, functional, and spatial information, amino acid conservation, physicochemical variation, residue mobility, and thermodynamic stability) indicates that this missense variant is not expected to disrupt ETV6 protein function with a negative predictive value of 80%. In summary, the available evidence is currently insufficient to determine the role of this variant in disease. Therefore, it has been classified as a Variant of Uncertain Significance.

GeneDx
Classification: Uncertain significance. Last evaluated: 2025-06-25. Review status: criteria provided, single submitter. Criteria: GeneDx Variant Classification Process June 2021. Collection method: clinical testing. Allele origin: germline.
Comment: In silico analysis suggests that this missense variant does not alter protein structure/function; Has not been previously published as pathogenic or benign to our knowledge; This variant is associated with the following publications: (PMID: 28555414, 28637624)

Ambry Genetics
Classification: Uncertain significance for Inborn genetic diseases. Last evaluated: 2024-12-24. Review status: criteria provided, single submitter. Criteria: Ambry Variant Classification Scheme 2023. Collection method: clinical testing. Allele origin: germline.
Comment: The p.R181C variant (also known as c.541C>T), located in coding exon 5 of the ETV6 gene, results from a C to T substitution at nucleotide position 541. The arginine at codon 181 is replaced by cysteine, an amino acid with highly dissimilar properties. This amino acid position is highly conserved in available vertebrate species. In addition, the in silico prediction for this alteration is inconclusive. Based on the available evidence, the clinical significance of this variant remains unclear.

Department of Pathology and Laboratory Medicine, Sinai Health System
Classification: Uncertain significance for Acute myeloid leukemia; Thrombocytopenia 5. Last evaluated: 2021-08-18. Review status: criteria provided, single submitter. Criteria: ACMG Guidelines, 2015. Collection method: research. Allele origin: germline.